The following is an entry in ClinVar:

NM_018834.6(MATR3):c.*97C>G

Gene: MATR3 (matrin 3; plus strand). Cytogenetic location: 5q31.2.
Variant type: single nucleotide variant.
Coding change: c.*97C>G on transcript NM_018834.6 (MANE Select); 97 bases downstream of the stop codon, C replaced by G.
Molecular consequence: 3 prime UTR variant.
Genome position (GRCh38, 1-based): chr5:139,329,492, C>G. VCF-style: chr5-139329492-C-G. GRCh37 (hg19) VCF-style: chr5-138665181-C-G.
Other names: c.*97C>G (NM_001194954.2, NM_001194955.2, NM_001194956.2 and 2 more transcripts).
Identifiers: ClinVar variation 351147 (VCV000351147.5), dbSNP rs769044248, ClinGen allele CA3433520.

ClinVar aggregate classification (germline): Benign (1 of 4 stars; one submission).

Conditions:
Amyotrophic lateral sclerosis type 21. Also called: VOCAL CORD AND PHARYNGEAL DYSFUNCTION WITH DISTAL MYOPATHY; MYOPATHY, DISTAL, 2. Identifiers: Orphanet 600, Orphanet 803, MedGen C3807521, MONDO:0011632, OMIM 606070.

Allele frequency attached by ClinVar (database versions not stated): gnomAD 0.00001 and 0.00004; TOPMed 0.00002.
gnomAD v4.1: 54 of 1,004,948 alleles (0.0054%); highest among the groups gnomAD compares: South Asian, 0.061%; no homozygotes.

Submission:

Illumina Laboratory Services, Illumina
Classification: Benign for Amyotrophic lateral sclerosis type 21. Last evaluated: 2018-01-13. Review status: criteria provided, single submitter. Criteria: ICSL Variant Classification Criteria 13 December 2019. Collection method: clinical testing. Allele origin: germline.
Comment: This variant was observed in the ICSL laboratory as part of a predisposition screen in an ostensibly healthy population. It had not been previously curated by ICSL or reported in the Human Gene Mutation Database (HGMD: prior to June 1st, 2018), and was therefore a candidate for classification through an automated scoring system. Utilizing variant allele frequency, disease prevalence and penetrance estimates, and inheritance mode, an automated score was calculated to assess if this variant is too frequent to cause the disease. Based on the score and internal cut-off values, a variant classified as benign is not then subjected to further curation. The score for this variant resulted in a classification of benign for this disease.